The following is an entry in ClinVar:

NM_005560.6(LAMA5):c.6422G>A (p.Arg2141His)

Gene: LAMA5 (laminin subunit alpha 5; minus strand). Cytogenetic location: 20q13.33.
Variant type: single nucleotide variant.
Coding change: c.6422G>A on transcript NM_005560.6 (MANE Select); coding-DNA position 6422, G replaced by A.
Protein change: p.Arg2141His; replaces arginine 2141 with histidine.
Molecular consequence: missense variant.
Genome position (GRCh38, 1-based): chr20:62,322,093, C>T on the plus strand (G>A on the coding strand, the complement: LAMA5 is on the minus strand). VCF-style: chr20-62322093-C-T. GRCh37 (hg19) VCF-style: chr20-60897149-C-T.
Other names: short protein forms R2141H.
Identifiers: ClinVar variation 3117537 (VCV003117537.2), dbSNP rs367932546, ClinGen allele CA9941747.

ClinVar aggregate classification (germline): Uncertain significance. Review status: criteria provided, multiple submitters, no conflicts (2 of 4 stars). 2 submissions from 2 submitters: Uncertain significance (2). Last evaluated 2026-01-26.

Conditions:
Inborn genetic diseases. Identifiers: MedGen C0950123, MeSH D030342.

Submissions (2):

Labcorp Genetics (formerly Invitae), Labcorp
Classification: Uncertain significance. Last evaluated: 2026-01-26. Review status: criteria provided, single submitter. Criteria: Invitae Variant Classification Sherloc (09022015). Collection method: clinical testing. Allele origin: germline.
Comment: This sequence change replaces arginine, which is basic and polar, with histidine, which is basic and polar, at codon 2141 of the LAMA5 protein (p.Arg2141His). This variant is present in population databases (rs367932546, gnomAD 0.01%). This missense change has been observed in individual(s) with clinical features of LAMA5-related conditions (PMID: 30143558). ClinVar contains an entry for this variant (Variation ID: 3117537). An algorithm developed to predict the effect of missense changes on protein structure and function (PolyPhen-2) suggests that this variant is likely to be tolerated. In summary, the available evidence is currently insufficient to determine the role of this variant in disease. Therefore, it has been classified as a Variant of Uncertain Significance.

Ambry Genetics
Classification: Uncertain significance for Inborn genetic diseases. Last evaluated: 2023-10-16. Review status: criteria provided, single submitter. Criteria: Ambry Variant Classification Scheme 2023. Collection method: clinical testing. Allele origin: germline.

Literature cited by the submitters: PubMed 30143558 (cited by Labcorp Genetics (formerly Invitae), Labcorp and Ambry Genetics).